The following is an entry in ClinVar:

ClinVar aggregate classification (germline): Uncertain significance (1 of 4 stars; one submission).

Conditions:
Transcobalamin II deficiency (TCN2D). Also called: Transcolabamin II deficiency; TC II DEFICIENCY; TCN2 DEFICIENCY. Identifiers: Orphanet 859, MedGen C0342701, MONDO:0010149, OMIM 275350.

Allele frequency attached by ClinVar (database versions not stated): gnomAD exomes 0.00004; ExAC 0.00005; 1000 Genomes Project 30x 0.00016; 1000 Genomes Project 0.00020.
gnomAD v4.1: 20 of 1,613,898 alleles (0.0012%); highest among the groups gnomAD compares: South Asian, 0.021%; no homozygotes.

Submission:

Labcorp Genetics (formerly Invitae), Labcorp
Classification: Uncertain significance for Transcobalamin II deficiency. Last evaluated: 2024-02-17. Review status: criteria provided, single submitter. Criteria: Invitae Variant Classification Sherloc (09022015). Collection method: clinical testing. Allele origin: germline.
Comment: This sequence change replaces alanine, which is neutral and non-polar, with glycine, which is neutral and non-polar, at codon 141 of the TCN2 protein (p.Ala141Gly). This variant is present in population databases (rs534564986, gnomAD 0.03%). This variant has not been reported in the literature in individuals affected with TCN2-related conditions. ClinVar contains an entry for this variant (Variation ID: 1435202). An algorithm developed to predict the effect of missense changes on protein structure and function (PolyPhen-2) suggests that this variant is likely to be tolerated. In summary, the available evidence is currently insufficient to determine the role of this variant in disease. Therefore, it has been classified as a Variant of Uncertain Significance.

NM_000355.4(TCN2):c.422C>G (p.Ala141Gly)

Gene: TCN2 (transcobalamin 2; plus strand). Cytogenetic location: 22q12.2.
Variant type: single nucleotide variant.
Coding change: c.422C>G on transcript NM_000355.4 (MANE Select); coding-DNA position 422, C replaced by G.
Protein change: p.Ala141Gly; replaces alanine 141 with glycine.
Molecular consequence: missense variant. On other transcripts: intron variant (1).
Genome position (GRCh38, 1-based): chr22:30,613,037, C>G. VCF-style: chr22-30613037-C-G. GRCh37 (hg19) VCF-style: chr22-31009024-C-G.
Other names: c.346+76C>G (NM_001184726.2); short protein forms A141G.
Identifiers: ClinVar variation 1435202 (VCV001435202.7), dbSNP rs534564986, ClinGen allele CA10184616.